The following is an entry in ClinVar:

ClinVar aggregate classification (germline): Uncertain significance (1 of 4 stars; one submission).

Conditions:
Ullrich congenital muscular dystrophy 2 (UCMD2). Identifiers: Orphanet 75840, MedGen C4225314, MONDO:0014654, OMIM 616470.
Bethlem myopathy 2 (BTHLM2). Identifiers: Orphanet 536516, Orphanet 610, MedGen C4225313, MONDO:0034022, OMIM 616471.

Allele frequency attached by ClinVar (database versions not stated): gnomAD 0.00001; gnomAD exomes 0.00001; TOPMed 0.00001.
gnomAD v4.1: 15 of 1,613,958 alleles (0.00093%); highest among the groups gnomAD compares: Non-Finnish European, 0.0013%; no homozygotes.

Submission:

Labcorp Genetics (formerly Invitae), Labcorp
Classification: Uncertain significance for Bethlem myopathy 2; Ullrich congenital muscular dystrophy 2. Last evaluated: 2024-06-01. Review status: criteria provided, single submitter. Criteria: Invitae Variant Classification Sherloc (09022015). Collection method: clinical testing. Allele origin: germline.
Comment: This sequence change replaces asparagine, which is neutral and polar, with threonine, which is neutral and polar, at codon 1939 of the COL12A1 protein (p.Asn1939Thr). This variant is not present in population databases (gnomAD no frequency). This variant has not been reported in the literature in individuals affected with COL12A1-related conditions. ClinVar contains an entry for this variant (Variation ID: 952773). Advanced modeling of protein sequence and biophysical properties (such as structural, functional, and spatial information, amino acid conservation, physicochemical variation, residue mobility, and thermodynamic stability) has been performed at Invitae for this missense variant, however the output from this modeling did not meet the statistical confidence thresholds required to predict the impact of this variant on COL12A1 protein function. In summary, the available evidence is currently insufficient to determine the role of this variant in disease. Therefore, it has been classified as a Variant of Uncertain Significance.

NM_004370.6(COL12A1):c.5816A>C (p.Asn1939Thr)

Gene: COL12A1 (collagen type XII alpha 1 chain; minus strand). Cytogenetic location: 6q13.
Variant type: single nucleotide variant.
Coding change: c.5816A>C on transcript NM_004370.6 (MANE Select); coding-DNA position 5816, A replaced by C.
Protein change: p.Asn1939Thr; replaces asparagine 1939 with threonine.
Molecular consequence: missense variant.
Genome position (GRCh38, 1-based): chr6:75,132,061, T>G on the plus strand (A>C on the coding strand, the complement: COL12A1 is on the minus strand). VCF-style: chr6-75132061-T-G. GRCh37 (hg19) VCF-style: chr6-75841777-T-G.
Other names: c.2324A>C, p.Asn775Thr (NM_080645.3); short protein forms N775T, N1939T.
Identifiers: ClinVar variation 952773 (VCV000952773.10), dbSNP rs1162295476, ClinGen allele CA364733130.